The following is an entry in ClinVar:

ClinVar aggregate classification (germline): Pathogenic (1 of 4 stars; one submission).

Conditions:
Duchenne muscular dystrophy (DMD). Also called: Duchenne Muscular Dystrophy (DMD); MUSCULAR DYSTROPHY, PSEUDOHYPERTROPHIC PROGRESSIVE, DUCHENNE TYPE. Identifiers: Orphanet 98896, MedGen C0013264, MONDO:0010679, OMIM 310200.

Submission:

Kariminejad - Najmabadi Pathology & Genetics Center
Classification: Pathogenic for Duchenne muscular dystrophy. Last evaluated: 2022-03-14. Review status: criteria provided, single submitter. Criteria: ACMG Guidelines, 2015. Collection method: clinical testing. Allele origin: germline. Inheritance: X-linked inheritance. Affected: yes.
Comment: PVS1 PM2

NM_004006.3(DMD):c.4839G>A (p.Trp1613Ter)

Gene: DMD (dystrophin; minus strand). Cytogenetic location: Xp21.1.
Variant type: single nucleotide variant.
Coding change: c.4839G>A on transcript NM_004006.3 (MANE Select); coding-DNA position 4839, G replaced by A.
Protein change: p.Trp1613Ter; replaces tryptophan 1613 with a stop codon.
Molecular consequence: nonsense.
Genome position (GRCh38, 1-based): chrX:32,380,516, C>T on the plus strand (G>A on the coding strand, the complement: DMD is on the minus strand). VCF-style: chrX-32380516-C-T. GRCh37 (hg19) VCF-style: chrX-32398633-C-T.
Other names: c.4815G>A, p.Trp1605Ter (NM_000109.4); c.4827G>A, p.Trp1609Ter (NM_004009.3); c.4470G>A, p.Trp1490Ter (NM_004010.3); c.816G>A, p.Trp272Ter (NM_004011.4); c.807G>A, p.Trp269Ter (NM_004012.4); short protein forms W1490*, W1605*, W1609*, W1613*, W269*, W272*.
Identifiers: ClinVar variation 3896840 (VCV003896840.1).